The following is an entry in ClinVar:

NM_004369.4(COL6A3):c.2360A>G (p.Glu787Gly)

Gene: COL6A3 (collagen type VI alpha 3 chain; minus strand). Cytogenetic location: 2q37.3.
Variant type: single nucleotide variant.
Coding change: c.2360A>G on transcript NM_004369.4 (MANE Select); coding-DNA position 2360, A replaced by G.
Protein change: p.Glu787Gly; replaces glutamic acid 787 with glycine.
Molecular consequence: missense variant. On other transcripts: intron variant (1).
Genome position (GRCh38, 1-based): chr2:237,378,773, T>C on the plus strand (A>G on the coding strand, the complement: COL6A3 is on the minus strand). VCF-style: chr2-237378773-T-C. GRCh37 (hg19) VCF-style: chr2-238287416-T-C.
Other names: c.1139A>G, p.Glu380Gly (NM_057164.5); c.1742A>G, p.Glu581Gly (NM_057165.5, NM_057167.4); c.677-1429A>G (NM_057166.5); short protein forms E380G, E581G, E787G.
Identifiers: ClinVar variation 1499834 (VCV001499834.6), dbSNP rs773202559, ClinGen allele CA2189418.

ClinVar aggregate classification (germline): Uncertain significance (1 of 4 stars; one submission).

Conditions:
Bethlem myopathy 1A. Also called: Bethlem myopathy 1; Bethlem Muscular Dystrophy; MYOPATHY, BENIGN CONGENITAL, WITH CONTRACTURES. Identifiers: Orphanet 610, MedGen CN029274, MONDO:0024530, OMIM 158810.

Allele frequency attached by ClinVar (database versions not stated): ExAC 0.00001; gnomAD exomes 0.00001.
gnomAD v4.1: 8 of 1,614,212 alleles (0.0005%); highest among the groups gnomAD compares: Non-Finnish European, 0.00068%; no homozygotes.

Submission:

Labcorp Genetics (formerly Invitae), Labcorp
Classification: Uncertain significance for Bethlem myopathy 1A. Last evaluated: 2024-09-18. Review status: criteria provided, single submitter. Criteria: Invitae Variant Classification Sherloc (09022015). Collection method: clinical testing. Allele origin: germline.
Comment: This sequence change replaces glutamic acid, which is acidic and polar, with glycine, which is neutral and non-polar, at codon 787 of the COL6A3 protein (p.Glu787Gly). This variant is present in population databases (rs773202559, gnomAD 0.0009%). This missense change has been observed in individual(s) with Ullrich congenital muscular dystrophy (PMID: 32065942). ClinVar contains an entry for this variant (Variation ID: 1499834). Invitae Evidence Modeling of protein sequence and biophysical properties (such as structural, functional, and spatial information, amino acid conservation, physicochemical variation, residue mobility, and thermodynamic stability) indicates that this missense variant is not expected to disrupt COL6A3 protein function with a negative predictive value of 95%. In summary, the available evidence is currently insufficient to determine the role of this variant in disease. Therefore, it has been classified as a Variant of Uncertain Significance.

Literature cited by the submitters: PubMed 32065942.